The following is an entry in ClinVar:

NM_005560.6(LAMA5):c.3885G>A (p.Thr1295=)

Gene: LAMA5 (laminin subunit alpha 5; minus strand). Cytogenetic location: 20q13.33.
Variant type: single nucleotide variant.
Coding change: c.3885G>A on transcript NM_005560.6 (MANE Select); coding-DNA position 3885, G replaced by A.
Protein change: p.Thr1295=; no amino-acid change (threonine 1295 retained).
Molecular consequence: synonymous variant.
Genome position (GRCh38, 1-based): chr20:62,330,582, C>T on the plus strand (G>A on the coding strand, the complement: LAMA5 is on the minus strand). VCF-style: chr20-62330582-C-T. GRCh37 (hg19) VCF-style: chr20-60905638-C-T.
Other names: p.Thr1295=.
Identifiers: ClinVar variation 730520 (VCV000730520.34), dbSNP rs145944943, ClinGen allele CA9942809.

ClinVar aggregate classification (germline): Likely benign. Review status: criteria provided, multiple submitters, no conflicts (2 of 4 stars). 4 submissions from 4 submitters: Likely benign (4). Last evaluated 2025-12-15.

Allele frequency attached by ClinVar (database versions not stated): gnomAD 0.00048 and 0.00049; TOPMed 0.00048; ESP Exome Variant Server 0.00054; gnomAD exomes 0.00066; ExAC 0.00141.
gnomAD v4.1: 1,217 of 1,593,170 alleles (0.076%); highest among the groups gnomAD compares: Non-Finnish European, 0.097%; 1 homozygote.

Submissions (4):

Labcorp Genetics (formerly Invitae), Labcorp
Classification: Likely benign. Last evaluated: 2025-12-15. Review status: criteria provided, single submitter. Criteria: Invitae Variant Classification Sherloc (09022015). Collection method: clinical testing. Allele origin: germline.

CeGaT Center for Human Genetics Tuebingen
Classification: Likely benign. Last evaluated: 2025-04-01. Review status: criteria provided, single submitter. Criteria: CeGaT Center For Human Genetics Tuebingen Variant Classification Criteria Version 2. Collection method: clinical testing. Allele origin: germline. Affected: yes. Observed: 3 variant alleles.
Comment: LAMA5: BP4, BP7

Mayo Clinic Laboratories, Mayo Clinic
Classification: Likely benign. Last evaluated: 2025-01-05. Review status: criteria provided, single submitter. Criteria: ACMG Guidelines, 2015. Collection method: clinical testing. Allele origin: germline. Observed: 1 variant allele.
Comment: BP4, BP7

Blueprint Genetics
Classification: Likely benign. Last evaluated: 2024-11-26. Review status: criteria provided, single submitter. Criteria: ACMG Guidelines, 2015. Collection method: clinical testing. Allele origin: germline.